The following is an entry in ClinVar:

ClinVar aggregate classification (germline): Uncertain significance. Review status: criteria provided, multiple submitters, no conflicts (2 of 4 stars). 2 submissions from 2 submitters: Uncertain significance (2). Last evaluated 2022-03-04.

Conditions:
Transcobalamin II deficiency (TCN2D). Also called: Transcolabamin II deficiency; TC II DEFICIENCY; TCN2 DEFICIENCY. Identifiers: Orphanet 859, MedGen C0342701, MONDO:0010149, OMIM 275350.

gnomAD v4.1: 18 of 1,613,912 alleles (0.0011%); highest among the groups gnomAD compares: African/African-American, 0.004%; 1 homozygote.

Submissions (2):

Blueprint Genetics
Classification: Uncertain significance. Last evaluated: 2022-03-04. Review status: criteria provided, single submitter. Criteria: ACMG Guidelines, 2015. Collection method: clinical testing. Allele origin: germline.

Labcorp Genetics (formerly Invitae), Labcorp
Classification: Uncertain significance for Transcobalamin II deficiency. Last evaluated: 2021-08-27. Review status: criteria provided, single submitter. Criteria: Invitae Variant Classification Sherloc (09022015). Collection method: clinical testing. Allele origin: germline.
Comment: This sequence change replaces tyrosine with cysteine at codon 380 of the TCN2 protein (p.Tyr380Cys). The tyrosine residue is moderately conserved and there is a large physicochemical difference between tyrosine and cysteine. This variant is not present in population databases (ExAC no frequency). This variant has not been reported in the literature in individuals affected with TCN2-related conditions. Algorithms developed to predict the effect of missense changes on protein structure and function are either unavailable or do not agree on the potential impact of this missense change (SIFT: "Deleterious"; PolyPhen-2: "Probably Damaging"; Align-GVGD: "Class C0"). In summary, the available evidence is currently insufficient to determine the role of this variant in disease. Therefore, it has been classified as a Variant of Uncertain Significance.

NM_000355.4(TCN2):c.1139A>G (p.Tyr380Cys)

Gene: TCN2 (transcobalamin 2; plus strand). Cytogenetic location: 22q12.2.
Variant type: single nucleotide variant.
Coding change: c.1139A>G on transcript NM_000355.4 (MANE Select); coding-DNA position 1139, A replaced by G.
Protein change: p.Tyr380Cys; replaces tyrosine 380 with cysteine.
Molecular consequence: missense variant.
Genome position (GRCh38, 1-based): chr22:30,623,000, A>G. VCF-style: chr22-30623000-A-G. GRCh37 (hg19) VCF-style: chr22-31018987-A-G.
Other names: c.1058A>G, p.Tyr353Cys (NM_001184726.2); short protein forms Y353C, Y380C.
Identifiers: ClinVar variation 949787 (VCV000949787.8), dbSNP rs746024609, ClinGen allele CA411216646.